The following is an entry in ClinVar:

NM_001083962.2(TCF4):c.1448C>G (p.Thr483Ser)

Gene: TCF4 (transcription factor 4; minus strand). Cytogenetic location: 18q21.2.
Variant type: single nucleotide variant.
Coding change: c.1448C>G on transcript NM_001083962.2 (MANE Select); coding-DNA position 1448, C replaced by G.
Protein change: p.Thr483Ser; replaces threonine 483 with serine.
Molecular consequence: missense variant.
Genome position (GRCh38, 1-based): chr18:55,234,586, G>C on the plus strand (C>G on the coding strand, the complement: TCF4 is on the minus strand). VCF-style: chr18-55234586-G-C. GRCh37 (hg19) VCF-style: chr18-52901817-G-C.
Other names: c.1754C>G, p.Thr585Ser (NM_001243226.3); c.1376C>G, p.Thr459Ser (NM_001243227.2, NM_001306207.1, NM_001348217.1 and 5 more transcripts); c.1466C>G, p.Thr489Ser (NM_001243228.2); c.1439C>G, p.Thr480Ser (NM_001243230.2); c.1322C>G, p.Thr441Ser (NM_001243231.2, NM_001348211.2); c.1235C>G, p.Thr412Ser (NM_001243232.1, NM_001306208.1); c.1058C>G, p.Thr353Ser (NM_001243233.2, NM_001330605.3, NM_001348212.2 and 1 more transcripts); c.968C>G, p.Thr323Ser (NM_001243234.2, NM_001243235.2, NM_001243236.2 and 1 more transcripts); and 6 more; short protein forms T267S, T322S, T323S, T353S, T412S, T441S, T458S, T459S.
Identifiers: ClinVar variation 1021642 (VCV001021642.8), dbSNP rs773663759, ClinGen allele CA8970203.

ClinVar aggregate classification (germline): Uncertain significance (1 of 4 stars; one submission).

Conditions:
Pitt-Hopkins syndrome (PTHS). Also called: ENCEPHALOPATHY, SEVERE EPILEPTIC, WITH AUTONOMIC DYSFUNCTION; MENTAL RETARDATION, SYNDROMAL, WITH INTERMITTENT HYPERVENTILATION. Identifiers: Orphanet 2896, MedGen C1970431, MONDO:0012589, OMIM 610954.

Allele frequency attached by ClinVar (database versions not stated): ExAC 0.00001; gnomAD 0.00001; TOPMed 0.00001.
gnomAD v4.1: 28 of 1,614,034 alleles (0.0017%); highest among the groups gnomAD compares: Non-Finnish European, 0.0024%; no homozygotes.

Submission:

Labcorp Genetics (formerly Invitae), Labcorp
Classification: Uncertain significance for Pitt-Hopkins syndrome. Last evaluated: 2025-04-14. Review status: criteria provided, single submitter. Criteria: Invitae Variant Classification Sherloc (09022015). Collection method: clinical testing. Allele origin: germline.
Comment: This sequence change replaces threonine, which is neutral and polar, with serine, which is neutral and polar, at codon 483 of the TCF4 protein (p.Thr483Ser). This variant is present in population databases (rs773663759, gnomAD 0.003%). This variant has not been reported in the literature in individuals affected with TCF4-related conditions. ClinVar contains an entry for this variant (Variation ID: 1021642). Invitae Evidence Modeling of protein sequence and biophysical properties (such as structural, functional, and spatial information, amino acid conservation, physicochemical variation, residue mobility, and thermodynamic stability) indicates that this missense variant is not expected to disrupt TCF4 protein function with a negative predictive value of 95%. In summary, the available evidence is currently insufficient to determine the role of this variant in disease. Therefore, it has been classified as a Variant of Uncertain Significance.